The following is an entry in ClinVar:

ClinVar aggregate classification (germline): Benign. Review status: criteria provided, multiple submitters, no conflicts (2 of 4 stars). 3 submissions from 3 submitters: Benign (2). 1 of the submissions does not count toward it. Last evaluated 2026-02-01.

Conditions:
LRRK1-related disorder. Also called: LRRK1-related condition.

Allele frequency attached by ClinVar (database versions not stated): ExAC 0.00360; 1000 Genomes Project 30x 0.01077; ESP Exome Variant Server 0.01157; gnomAD 0.01315 and 0.01218; TOPMed 0.01318; gnomAD exomes 0.00298; 1000 Genomes Project 0.01038.

Submissions (3):

Labcorp Genetics (formerly Invitae), Labcorp
Classification: Benign. Last evaluated: 2026-02-01. Review status: criteria provided, single submitter. Criteria: Invitae Variant Classification Sherloc (09022015). Collection method: clinical testing. Allele origin: germline.

Breakthrough Genomics
Classification: Benign. Review status: criteria provided, single submitter. Criteria: ACMG Guidelines, 2015. Collection method: not provided. Allele origin: germline. Inheritance: Autosomal recessive inheritance. Affected: yes.

PreventionGenetics, part of Exact Sciences
Classification: Benign for LRRK1-related condition. Last evaluated: 2019-02-18. Review status: no assertion criteria provided. Collection method: clinical testing. Allele origin: germline. Not counted in ClinVar's aggregate classification.
Comment: This variant is classified as benign based on ACMG/AMP sequence variant interpretation guidelines (Richards et al. 2015 PMID: 25741868, with internal and published modifications).

NM_024652.6(LRRK1):c.1381G>A (p.Ala461Thr)

Gene: LRRK1 (leucine rich repeat kinase 1; plus strand). Cytogenetic location: 15q26.3.
Variant type: single nucleotide variant.
Coding change: c.1381G>A on transcript NM_024652.6 (MANE Select); coding-DNA position 1381, G replaced by A.
Protein change: p.Ala461Thr; replaces alanine 461 with threonine.
Molecular consequence: missense variant.
Genome position (GRCh38, 1-based): chr15:101,012,107, G>A. VCF-style: chr15-101012107-G-A. GRCh37 (hg19) VCF-style: chr15-101552312-G-A.
Other names: c.1381G>A (NM_024652.5); short protein forms A461T.
Identifiers: ClinVar variation 768730 (VCV000768730.14), dbSNP rs113678526, ClinGen allele CA7760862.
Genomic context (GRCh38, chr15:101,012,107, plus strand): 5'-CCAGACAAAATGGCTGTCTTTTGGAAAAATCACCTGAAGGATGTGGATTTCTCAGAAAAC[G>A]CACTCAAAGAAGTTCCCCTGGGACTTTTCCAGCTTGATGTAAGCCTAATAGCCCTTTCTT-3'
Protein context (NP_078928.3, residues 451-471): HLKDVDFSEN[Ala461Thr]LKEVPLGLFQ